The following is an entry in ClinVar:

ClinVar aggregate classification (germline): Pathogenic (1 of 4 stars; one submission).

Conditions:
Hereditary breast ovarian cancer syndrome. Also called: Hereditary breast and ovarian cancer; Breast and ovarian cancer; BRCA1- and BRCA2-Associated Hereditary Breast and Ovarian Cancer; Hereditary breast and/or ovarian cancer syndrome; Hereditary breast and ovarian cancer syndrome; Hereditary breast and ovarian cancer syndrome (HBOC). Identifiers: Orphanet 145, MedGen C0677776, MeSH D061325, MONDO:0003582. Disease mechanism: loss of function.

Submission:

Labcorp Genetics (formerly Invitae), Labcorp
Classification: Pathogenic for Hereditary breast ovarian cancer syndrome. Last evaluated: 2021-03-13. Review status: criteria provided, single submitter. Criteria: Invitae Variant Classification Sherloc (09022015). Collection method: clinical testing. Allele origin: germline.
Comment: This variant has not been reported in the literature in individuals with BRCA2-related conditions. This variant is not present in population databases (ExAC no frequency). This sequence change creates a premature translational stop signal (p.Leu2737*) in the BRCA2 gene. It is expected to result in an absent or disrupted protein product. Loss-of-function variants in BRCA2 are known to be pathogenic (PMID: 20104584). For these reasons, this variant has been classified as Pathogenic.

Literature cited by the submitters: PubMed 20104584.

NM_000059.4(BRCA2):c.8210T>G (p.Leu2737Ter)

Gene: BRCA2 (BRCA2 DNA repair associated; plus strand). Cytogenetic location: 13q13.1.
Variant type: single nucleotide variant.
Coding change: c.8210T>G on transcript NM_000059.4 (MANE Select); coding-DNA position 8210, T replaced by G.
Protein change: p.Leu2737Ter; replaces leucine 2737 with a stop codon.
Molecular consequence: nonsense.
Genome position (GRCh38, 1-based): chr13:32,363,412, T>G. VCF-style: chr13-32363412-T-G. GRCh37 (hg19) VCF-style: chr13-32937549-T-G.
Other names: short protein forms L2737*.
Identifiers: ClinVar variation 1457967 (VCV001457967.6), dbSNP rs1566245715, ClinGen allele CA387749771.